The following is an entry in ClinVar:

ClinVar aggregate classification (germline): Uncertain significance (1 of 4 stars; one submission).

Submission:

CeGaT Center for Human Genetics Tuebingen
Classification: Uncertain significance. Last evaluated: 2025-09-01. Review status: criteria provided, single submitter. Criteria: CeGaT Center For Human Genetics Tuebingen Variant Classification Criteria Version 2. Collection method: clinical testing. Allele origin: germline. Affected: yes. Observed: 1 variant allele.
Comment: SLC12A2: PM2

NM_001046.3(SLC12A2):c.1252G>C (p.Val418Leu)

Gene: SLC12A2 (solute carrier family 12 member 2; plus strand). Cytogenetic location: 5q23.3.
Variant type: single nucleotide variant.
Coding change: c.1252G>C on transcript NM_001046.3 (MANE Select); coding-DNA position 1252, G replaced by C.
Protein change: p.Val418Leu; replaces valine 418 with leucine.
Molecular consequence: missense variant. On other transcripts: non-coding transcript variant (1).
Genome position (GRCh38, 1-based): chr5:128,134,228, G>C. VCF-style: chr5-128134228-G-C. GRCh37 (hg19) VCF-style: chr5-127469920-G-C.
Other names: c.1252G>C, p.Val418Leu (NM_001256461.2); short protein forms V418L.
Identifiers: ClinVar variation 4281477 (VCV004281477.7).